The following is an entry in ClinVar:

ClinVar aggregate classification (germline): Uncertain significance (1 of 4 stars; one submission).

Conditions:
Parathyroid carcinoma (PRTC). Also called: Parathyroid gland carcinoma; CDC73-Related Parathyroid Carcinoma. Identifiers: Orphanet 143, MedGen C0687150, MONDO:0012004, OMIM 608266, HP:0006780.

Allele frequency attached by ClinVar (database versions not stated): TOPMed below 0.00001.

Submission:

Labcorp Genetics (formerly Invitae), Labcorp
Classification: Uncertain significance for Parathyroid carcinoma. Last evaluated: 2021-03-21. Review status: criteria provided, single submitter. Criteria: Invitae Variant Classification Sherloc (09022015). Collection method: clinical testing. Allele origin: germline.
Comment: In summary, the available evidence is currently insufficient to determine the role of this variant in disease. Therefore, it has been classified as a Variant of Uncertain Significance. Algorithms developed to predict the effect of missense changes on protein structure and function are either unavailable or do not agree on the potential impact of this missense change (SIFT: "Deleterious"; PolyPhen-2: "Benign"; Align-GVGD: "Class C0"). This variant has not been reported in the literature in individuals with CDC73-related conditions. This variant is not present in population databases (ExAC no frequency). This sequence change replaces proline with leucine at codon 351 of the CDC73 protein (p.Pro351Leu). The proline residue is moderately conserved and there is a moderate physicochemical difference between proline and leucine.

NM_024529.5(CDC73):c.1052C>T (p.Pro351Leu)

Gene: CDC73 (cell division cycle 73; plus strand). Cytogenetic location: 1q31.2.
Variant type: single nucleotide variant.
Coding change: c.1052C>T on transcript NM_024529.5 (MANE Select); coding-DNA position 1052, C replaced by T.
Protein change: p.Pro351Leu; replaces proline 351 with leucine.
Molecular consequence: missense variant.
Genome position (GRCh38, 1-based): chr1:193,212,086, C>T. VCF-style: chr1-193212086-C-T. GRCh37 (hg19) VCF-style: chr1-193181216-C-T.
Other names: short protein forms P351L.
Identifiers: ClinVar variation 1404655 (VCV001404655.8), dbSNP rs1677289653, ClinGen allele CA344077460.